The following is an entry in ClinVar:

ClinVar aggregate classification (germline): Uncertain significance (1 of 4 stars; one submission).

Submission:

Ambry Genetics
Classification: Uncertain significance. Last evaluated: 2025-08-06. Review status: criteria provided, single submitter. Criteria: Ambry Variant Classification Scheme 2023. Collection method: clinical testing. Allele origin: germline.
Comment: The c.364C>G (p.R122G) alteration is located in exon (coding exon ) of the SH3RF3 gene. This alteration results from a C to G substitution at nucleotide position 364, causing the arginine (R) at amino acid position 122 to be replaced by a glycine (G). Based on insufficient or conflicting evidence, the clinical significance of this alteration remains unclear.

NM_001099289.3(SH3RF3):c.364C>G (p.Arg122Gly)

Genes: RANBP2 (RAN binding protein 2; plus strand), SH3RF3 (SH3 domain containing ring finger 3; plus strand), SH3RF3-AS1 (SH3RF3 antisense RNA 1; minus strand). Cytogenetic location: 2q13.
Variant type: single nucleotide variant.
Coding change: c.364C>G on transcript NM_001099289.3 (MANE Select); coding-DNA position 364, C replaced by G.
Protein change: p.Arg122Gly; replaces arginine 122 with glycine.
Molecular consequence: missense variant. On other transcripts: non-coding transcript variant (1).
Genome position (GRCh38, 1-based): chr2:109,129,904, C>G. VCF-style: chr2-109129904-C-G. GRCh37 (hg19) VCF-style: chr2-109746360-C-G.
Other names: short protein forms R122G.
Identifiers: ClinVar variation 4164359 (VCV004164359.1).
Genomic context (GRCh38, chr2:109,129,904, plus strand): 5'-GGCTGCGGCGTGGACGAACTGCCCGCCAACATCTTGCTGGTGCGACTGCTGGACGGCATC[C>G]GTCAGCGGCCCCGCGCGGGCACCAGCCCCGGCGGCAGCCCGCCCGCGCGTCCCATCCCAG-3'
Protein context (NP_001092759.1, residues 112-132): ILLVRLLDGI[Arg122Gly]QRPRAGTSPG